The following is an entry in ClinVar:

ClinVar aggregate classification (germline): Uncertain significance. Review status: criteria provided, multiple submitters, no conflicts (2 of 4 stars). 4 submissions from 4 submitters: Uncertain significance (4). Last evaluated 2025-12-22.

Conditions:
Familial cancer of breast. Also called: BREAST CANCER, FAMILIAL; Hereditary breast cancer; hereditary breast carcinoma. Identifiers: Orphanet 227535, MedGen C0346153, MONDO:0016419, OMIM 114480. Disease mechanism: loss of function.
Pancreatic cancer, susceptibility to, 4. Identifiers: Orphanet 1333, MedGen C3280442, MONDO:0013685, OMIM 614320.
Fanconi anemia, complementation group S (FANCS). Identifiers: MedGen C4554406, MONDO:0054748, OMIM 617883.
Breast-ovarian cancer, familial, susceptibility to, 1 (BROVCA1). Also called: OVARIAN CANCER, SUSCEPTIBILITY TO; BRCA1 Hereditary Breast and Ovarian Cancer. Identifiers: Orphanet 145, MedGen C2676676, MONDO:0011450, OMIM 604370. Disease mechanism: loss of function.
Hereditary breast ovarian cancer syndrome. Also called: Hereditary breast and ovarian cancer syndrome; Hereditary breast and ovarian cancer syndrome (HBOC); BRCA1- and BRCA2-Associated Hereditary Breast and Ovarian Cancer; Breast and ovarian cancer; Hereditary breast and ovarian cancer; Hereditary breast and/or ovarian cancer syndrome. Identifiers: Orphanet 145, MedGen C0677776, MeSH D061325, MONDO:0003582. Disease mechanism: loss of function.
Hereditary cancer-predisposing syndrome. Also called: Hereditary Cancer Syndrome; Hereditary neoplastic syndrome; Tumor predisposition; Neoplastic Syndromes, Hereditary. Identifiers: Orphanet 140162, MedGen C0027672, MeSH D009386, MONDO:0015356.

Allele frequency attached by ClinVar (database versions not stated): gnomAD exomes below 0.00001.
gnomAD v4.1: 1 of 1,613,958 alleles (0.000062%); highest among the groups gnomAD compares: South Asian, 0.0011%; no homozygotes.

Submissions (4):

Labcorp Genetics (formerly Invitae), Labcorp
Classification: Uncertain significance for Hereditary breast ovarian cancer syndrome. Last evaluated: 2025-12-22. Review status: criteria provided, single submitter. Criteria: Invitae Variant Classification Sherloc (09022015). Collection method: clinical testing. Allele origin: germline.
Comment: This sequence change replaces arginine, which is basic and polar, with lysine, which is basic and polar, at codon 1555 of the BRCA1 protein (p.Arg1555Lys). This variant is not present in population databases (gnomAD no frequency). This variant has not been reported in the literature in individuals affected with BRCA1-related conditions. ClinVar contains an entry for this variant (Variation ID: 185428). Invitae Evidence Modeling of protein sequence and biophysical properties (such as structural, functional, and spatial information, amino acid conservation, physicochemical variation, residue mobility, and thermodynamic stability) indicates that this missense variant is not expected to disrupt BRCA1 protein function with a negative predictive value of 95%. In summary, the available evidence is currently insufficient to determine the role of this variant in disease. Therefore, it has been classified as a Variant of Uncertain Significance.

Ambry Genetics
Classification: Uncertain significance for Hereditary cancer-predisposing syndrome. Last evaluated: 2025-03-24. Review status: criteria provided, single submitter. Criteria: Ambry Variant Classification Scheme 2023. Collection method: clinical testing. Allele origin: germline.
Comment: The p.R1555K variant (also known as c.4664G>A), located in coding exon 13 of the BRCA1 gene, results from a G to A substitution at nucleotide position 4664. The arginine at codon 1555 is replaced by lysine, an amino acid with highly similar properties. This amino acid position is not well conserved in available vertebrate species. In addition, the in silico prediction for this alteration is inconclusive. Since supporting evidence is limited at this time, the clinical significance of this alteration remains unclear.

Fulgent Genetics
Classification: Uncertain significance for Familial cancer of breast; Breast-ovarian cancer, familial, susceptibility to, 1; Pancreatic cancer, susceptibility to, 4; Fanconi anemia, complementation group S. Last evaluated: 2021-10-24. Review status: criteria provided, single submitter. Criteria: ACMG Guidelines, 2015. Collection method: clinical testing. Allele origin: unknown.

Color Diagnostics, LLC DBA Color Health
Classification: Uncertain significance for Hereditary cancer-predisposing syndrome. Last evaluated: 2019-04-12. Review status: criteria provided, single submitter. Criteria: ACMG Guidelines, 2015. Collection method: clinical testing. Allele origin: germline.

NM_007294.4(BRCA1):c.4664G>A (p.Arg1555Lys)

Gene: BRCA1 (BRCA1 DNA repair associated; minus strand). Cytogenetic location: 17q21.31.
Variant type: single nucleotide variant.
Coding change: c.4664G>A on transcript NM_007294.4 (MANE Select); coding-DNA position 4664, G replaced by A.
Protein change: p.Arg1555Lys; replaces arginine 1555 with lysine.
Molecular consequence: missense variant. On other transcripts: non-coding transcript variant (1).
Genome position (GRCh38, 1-based): chr17:43,074,342, C>T on the plus strand (G>A on the coding strand, the complement: BRCA1 is on the minus strand). VCF-style: chr17-43074342-C-T. GRCh37 (hg19) VCF-style: chr17-41226359-C-T.
Other names: c.4451G>A, p.Arg1484Lys (NM_001407571.1, NM_001407894.1, NM_001407908.1 and 12 more transcripts); c.4730G>A, p.Arg1577Lys (NM_001407581.1, NM_001407582.1); c.4727G>A, p.Arg1576Lys (NM_001407583.1, NM_001407585.1, NM_001407587.1 and 1 more transcripts); c.4724G>A, p.Arg1575Lys (NM_001407590.1, NM_001407591.1); c.4664G>A, p.Arg1555Lys (NM_001407593.1, NM_001407594.1, NM_001407596.1 and 8 more transcripts); c.4661G>A, p.Arg1554Lys (NM_001407615.1, NM_001407616.1, NM_001407617.1 and 17 more transcripts); c.4658G>A, p.Arg1553Lys (NM_001407634.1, NM_001407635.1, NM_001407636.1 and 14 more transcripts); c.4583G>A, p.Arg1528Lys (NM_001407656.1, NM_001407657.1, NM_001407658.1); and 68 more; short protein forms R1555K, R1508K, R1576K, R451K, R1386K, R1428K, R1443K, R1465K.
Identifiers: ClinVar variation 185428 (VCV000185428.20), dbSNP rs786202165, ClinGen allele CA002954.
Genomic context (GRCh38, chr17:43,074,342, plus strand): 5'-TCAGAGTAAAATCAAAGTGTTTGTTCCAATACAGCAGATGAAATATTACCTAGATCTTGC[C>T]TTGGCAAGTAAGATGTTTCCGTCAAATCGTGTGGCCCAGACTCTTCCAGCTGTTGCTCCT-3'
Protein context (NP_009225.1, residues 1545-1565): HDLTETSYLP[Arg1555Lys]QDLEGTPYLE